The following is an entry in ClinVar:

ClinVar aggregate classification (germline): Benign/Likely benign. Review status: criteria provided, multiple submitters, no conflicts (2 of 4 stars). 3 submissions from 3 submitters: Benign (2); Likely benign (1). Last evaluated 2023-03-01.

Allele frequency attached by ClinVar (database versions not stated): TOPMed 0.00097; ESP Exome Variant Server 0.00173; gnomAD 0.00210 and 0.00226; 1000 Genomes Project 30x 0.00297; 1000 Genomes Project 0.00319.
gnomAD v4.1: 3,990 of 1,614,068 alleles (0.25%); highest among the groups gnomAD compares: South Asian, 0.92%; 24 homozygotes.

Submissions (3):

CeGaT Center for Human Genetics Tuebingen
Classification: Likely benign. Last evaluated: 2023-03-01. Review status: criteria provided, single submitter. Criteria: CeGaT Center For Human Genetics Tuebingen Variant Classification Criteria Version 2. Collection method: clinical testing. Allele origin: germline. Affected: yes. Observed: 1 variant allele.
Comment: FER1L6: BS2; FER1L6-AS2: BS2

Labcorp Genetics (formerly Invitae), Labcorp
Classification: Benign. Last evaluated: 2019-12-31. Review status: criteria provided, single submitter. Criteria: Invitae Variant Classification Sherloc (09022015). Collection method: clinical testing. Allele origin: germline.

Breakthrough Genomics
Classification: Benign. Review status: criteria provided, single submitter. Criteria: ACMG Guidelines, 2015. Collection method: not provided. Allele origin: germline. Inheritance: Unknown mechanism. Affected: yes.

NM_001039112.2(FER1L6):c.2827G>T (p.Gly943Trp)

Genes: FER1L6 (fer-1 like family member 6; plus strand), FER1L6-AS2 (FER1L6 antisense RNA 2; minus strand). Cytogenetic location: 8q24.13.
Variant type: single nucleotide variant.
Coding change: c.2827G>T on transcript NM_001039112.2 (MANE Select); coding-DNA position 2827, G replaced by T.
Protein change: p.Gly943Trp; replaces glycine 943 with tryptophan.
Molecular consequence: missense variant.
Genome position (GRCh38, 1-based): chr8:124,049,709, G>T. VCF-style: chr8-124049709-G-T. GRCh37 (hg19) VCF-style: chr8-125061950-G-T.
Other names: short protein forms G943W.
Identifiers: ClinVar variation 747023 (VCV000747023.29), dbSNP rs200894396, ClinGen allele CA4869273.
Genomic context (GRCh38, chr8:124,049,709, plus strand): 5'-GTGAAGCTGGCTGACCAGGACTATGAGCCCCCCAGGTTATGCTATCACCCCATCTTTTGT[G>T]GGAATCTCTCTGGAGGGGATCTCCTTGCTGTATTTGAACTGCTGCAGGTGAGTGAACCAG-3'
Protein context (NP_001034201.2, residues 933-953): PRLCYHPIFC[Gly943Trp]NLSGGDLLAV